The following is an entry in ClinVar:

NM_007272.3(CTRC):c.220C>T (p.His74Tyr)

Gene: CTRC (chymotrypsin C; plus strand). Cytogenetic location: 1p36.21.
Variant type: single nucleotide variant.
Coding change: c.220C>T on transcript NM_007272.3 (MANE Select); coding-DNA position 220, C replaced by T.
Protein change: p.His74Tyr; replaces histidine 74 with tyrosine.
Molecular consequence: missense variant.
Genome position (GRCh38, 1-based): chr1:15,440,580, C>T. VCF-style: chr1-15440580-C-T. GRCh37 (hg19) VCF-style: chr1-15767076-C-T.
Other names: short protein forms H74Y.
Identifiers: ClinVar variation 575574 (VCV000575574.10), dbSNP rs1557508393, ClinGen allele CA338565125.

ClinVar aggregate classification (germline): Uncertain significance. Review status: criteria provided, multiple submitters, no conflicts (2 of 4 stars). 2 submissions from 2 submitters: Uncertain significance (2). Last evaluated 2024-01-19.

Conditions:
Hereditary pancreatitis (PCTT). Also called: PRSS1-Related Hereditary Pancreatitis; Hereditary chronic pancreatitis. Identifiers: Orphanet 676, MedGen C0238339, MONDO:0008185, OMIM 167800.

Allele frequency attached by ClinVar (database versions not stated): gnomAD exomes below 0.00001.

Submissions (2):

Ambry Genetics
Classification: Uncertain significance for Hereditary pancreatitis. Last evaluated: 2024-01-19. Review status: criteria provided, single submitter. Criteria: Ambry Variant Classification Scheme 2023. Collection method: clinical testing. Allele origin: germline.
Comment: The p.H74Y variant (also known as c.220C>T), located in coding exon 3 of the CTRC gene, results from a C to T substitution at nucleotide position 220. The histidine at codon 74 is replaced by tyrosine, an amino acid with similar properties. This amino acid position is conserved. In addition, this alteration is predicted to be deleterious by in silico analysis. Since supporting evidence is limited at this time, the clinical significance of this alteration remains unclear.

Labcorp Genetics (formerly Invitae), Labcorp
Classification: Uncertain significance for Hereditary pancreatitis. Last evaluated: 2022-09-14. Review status: criteria provided, single submitter. Criteria: Invitae Variant Classification Sherloc (09022015). Collection method: clinical testing. Allele origin: germline.
Comment: In summary, the available evidence is currently insufficient to determine the role of this variant in disease. Therefore, it has been classified as a Variant of Uncertain Significance. Advanced modeling of protein sequence and biophysical properties (such as structural, functional, and spatial information, amino acid conservation, physicochemical variation, residue mobility, and thermodynamic stability) performed at Invitae indicates that this missense variant is expected to disrupt CTRC protein function. ClinVar contains an entry for this variant (Variation ID: 575574). This variant has not been reported in the literature in individuals affected with CTRC-related conditions. This variant is not present in population databases (gnomAD no frequency). This sequence change replaces histidine, which is basic and polar, with tyrosine, which is neutral and polar, at codon 74 of the CTRC protein (p.His74Tyr).